The following is an entry in ClinVar:

NM_001003800.2(BICD2):c.2422C>T (p.Arg808Cys)

Gene: BICD2 (BICD cargo adaptor 2; minus strand). Cytogenetic location: 9q22.31.
Variant type: single nucleotide variant.
Coding change: c.2422C>T on transcript NM_001003800.2 (MANE Select); coding-DNA position 2422, C replaced by T.
Protein change: p.Arg808Cys; replaces arginine 808 with cysteine.
Molecular consequence: missense variant.
Genome position (GRCh38, 1-based): chr9:92,715,300, G>A on the plus strand (C>T on the coding strand, the complement: BICD2 is on the minus strand). VCF-style: chr9-92715300-G-A. GRCh37 (hg19) VCF-style: chr9-95477582-G-A.
Other names: c.2422C>T, p.Arg808Cys (NM_015250.4); short protein forms R808C.
Identifiers: ClinVar variation 1001024 (VCV001001024.13), dbSNP rs143189118, ClinGen allele CA5126307.
Genomic context (GRCh38, chr9:92,715,300, plus strand): 5'-AGGTGTGACTTACGCTCGGTGTGGCTGGCTTGGTCTTCGGGGCGGCTTTGGCACGGCCAC[G>A]CCGGGTCTGCTCATGGTCCAGCTCGAGCAGCTCCAGCCGCTGGGTCAGCGCCAGCTTCTG-3'
Protein context (NP_001003800.1, residues 798-818): LLELDHEQTR[Arg808Cys]GRAKAAPKTK

ClinVar aggregate classification (germline): Uncertain significance. Review status: criteria provided, single submitter (1 of 4 stars). 3 submissions from 3 submitters: Uncertain significance (1). 2 of the submissions do not count toward it. Last evaluated 2024-03-13.

Conditions:
Autosomal dominant childhood-onset proximal spinal muscular atrophy with contractures (SMALED2A). Also called: SPINAL MUSCULAR ATROPHY, LOWER EXTREMITY-PREDOMINANT, 2A, CHILDHOOD ONSET, AUTOSOMAL DOMINANT; Spinal muscular atrophy, lower extremity-predominant, 2A, autosomal dominant. Identifiers: Orphanet 363447, Orphanet 363454, MedGen C4747715, MONDO:0014121, OMIM 615290.

Allele frequency attached by ClinVar (database versions not stated): ExAC below 0.00001; gnomAD exomes below 0.00001; TOPMed below 0.00001; ESP Exome Variant Server 0.00008.
gnomAD v4.1: 5 of 1,612,716 alleles (0.00031%); highest among the groups gnomAD compares: South Asian, 0.0011%; no homozygotes.

Submissions (3):

Labcorp Genetics (formerly Invitae), Labcorp
Classification: Uncertain significance for Autosomal dominant childhood-onset proximal spinal muscular atrophy with contractures. Last evaluated: 2024-03-13. Review status: criteria provided, single submitter. Criteria: Invitae Variant Classification Sherloc (09022015). Collection method: clinical testing. Allele origin: germline.
Comment: This sequence change replaces arginine, which is basic and polar, with cysteine, which is neutral and slightly polar, at codon 808 of the BICD2 protein (p.Arg808Cys). This variant is not present in population databases (gnomAD no frequency). This variant has not been reported in the literature in individuals affected with BICD2-related conditions. ClinVar contains an entry for this variant (Variation ID: 1001024). Advanced modeling of protein sequence and biophysical properties (such as structural, functional, and spatial information, amino acid conservation, physicochemical variation, residue mobility, and thermodynamic stability) performed at Invitae indicates that this missense variant is not expected to disrupt BICD2 protein function with a negative predictive value of 80%. In summary, the available evidence is currently insufficient to determine the role of this variant in disease. Therefore, it has been classified as a Variant of Uncertain Significance.

Clinical Genetics, Academic Medical Center
Classification: Uncertain significance. Review status: no assertion criteria provided. Collection method: clinical testing. Allele origin: germline. Affected: yes. Study: VKGL Data-share Consensus. Not counted in ClinVar's aggregate classification.

Joint Genome Diagnostic Labs from Nijmegen and Maastricht, Radboudumc and MUMC+
Classification: Uncertain significance. Review status: no assertion criteria provided. Collection method: clinical testing. Allele origin: germline. Affected: yes. Study: VKGL Data-share Consensus. Not counted in ClinVar's aggregate classification.